The following is an entry in ClinVar:

NM_001330691.3(CEP78):c.1346C>T (p.Pro449Leu)

Gene: CEP78 (centrosomal protein 78; plus strand). Cytogenetic location: 9q21.2.
Variant type: single nucleotide variant.
Coding change: c.1346C>T on transcript NM_001330691.3 (MANE Select); coding-DNA position 1346, C replaced by T.
Protein change: p.Pro449Leu; replaces proline 449 with leucine.
Molecular consequence: missense variant.
Genome position (GRCh38, 1-based): chr9:78,254,930, C>T. VCF-style: chr9-78254930-C-T. GRCh37 (hg19) VCF-style: chr9-80869846-C-T.
Other names: c.1349C>T, p.Pro450Leu (NM_001098802.3, NM_001349839.2, NM_001349840.2 and 1 more transcripts); c.1346C>T, p.Pro449Leu (NM_001330693.3, NM_001330694.2, NM_001349838.2); short protein forms P450L, P449L.
Identifiers: ClinVar variation 2177704 (VCV002177704.4), dbSNP rs188290503, ClinGen allele CA5095224.

ClinVar aggregate classification (germline): Uncertain significance (1 of 4 stars; one submission).

Allele frequency attached by ClinVar (database versions not stated): ExAC 0.00001; gnomAD 0.00001; gnomAD exomes 0.00001; 1000 Genomes Project 30x 0.00016; 1000 Genomes Project 0.00020.
gnomAD v4.1: 13 of 1,611,270 alleles (0.00081%); highest among the groups gnomAD compares: African/African-American, 0.0013%; no homozygotes.

Submission:

Labcorp Genetics (formerly Invitae), Labcorp
Classification: Uncertain significance. Last evaluated: 2023-08-04. Review status: criteria provided, single submitter. Criteria: Invitae Variant Classification Sherloc (09022015). Collection method: clinical testing. Allele origin: germline.
Comment: Advanced modeling of protein sequence and biophysical properties (such as structural, functional, and spatial information, amino acid conservation, physicochemical variation, residue mobility, and thermodynamic stability) performed at Invitae indicates that this missense variant is not expected to disrupt CEP78 protein function. This sequence change replaces proline, which is neutral and non-polar, with leucine, which is neutral and non-polar, at codon 450 of the CEP78 protein (p.Pro450Leu). This variant is present in population databases (rs188290503, gnomAD 0.002%). This variant has not been reported in the literature in individuals affected with CEP78-related conditions. ClinVar contains an entry for this variant (Variation ID: 2177704). In summary, the available evidence is currently insufficient to determine the role of this variant in disease. Therefore, it has been classified as a Variant of Uncertain Significance.